The following is an entry in ClinVar:

NM_000235.4(LIPA):c.1060A>G (p.Asn354Asp)

Gene: LIPA (lipase A, lysosomal acid type; minus strand). Cytogenetic location: 10q23.31.
Variant type: single nucleotide variant.
Coding change: c.1060A>G on transcript NM_000235.4 (MANE Select); coding-DNA position 1060, A replaced by G.
Protein change: p.Asn354Asp; replaces asparagine 354 with aspartic acid.
Molecular consequence: missense variant.
Genome position (GRCh38, 1-based): chr10:89,214,968, T>C on the plus strand (A>G on the coding strand, the complement: LIPA is on the minus strand). VCF-style: chr10-89214968-T-C. GRCh37 (hg19) VCF-style: chr10-90974725-T-C.
Other names: c.1060A>G, p.Asn354Asp (NM_001127605.3, NM_001440818.1, NM_001440819.1 and 16 more transcripts); c.712A>G, p.Asn238Asp (NM_001288979.2); c.1192A>G, p.Asn398Asp (NM_001440836.1); c.1081A>G, p.Asn361Asp (NM_001440837.1); c.1075A>G, p.Asn359Asp (NM_001440838.1); c.892A>G, p.Asn298Asp (NM_001440839.1); short protein forms N238D, N359D, N398D, N298D, N361D, N354D.
Identifiers: ClinVar variation 4712563 (VCV004712563.1).

ClinVar aggregate classification (germline): Uncertain significance (1 of 4 stars; one submission).

Conditions:
Wolman disease (WOLD). Also called: Acid cholesteryl ester hydrolase deficiency, Wolman type; Acid lipase disease; Wolman disease, CESD; Infantile-Onset LAL-D (Wolman Disease); Wolman disease with hypolipoproteinemia and acanthocytosis; LYSOSOMAL ACID LIPASE DEFICIENCY, ACUTE INFANTILE. Identifiers: Orphanet 75233, MedGen C0043208, MONDO:0019148, OMIM 620151.

Submission:

Labcorp Genetics (formerly Invitae), Labcorp
Classification: Uncertain significance for Wolman disease. Last evaluated: 2025-08-26. Review status: criteria provided, single submitter. Criteria: Invitae Variant Classification Sherloc (09022015). Collection method: clinical testing. Allele origin: germline.
Comment: This sequence change replaces asparagine, which is neutral and polar, with aspartic acid, which is acidic and polar, at codon 354 of the LIPA protein (p.Asn354Asp). This variant is not present in population databases (gnomAD no frequency). This variant has not been reported in the literature in individuals affected with LIPA-related conditions. Invitae Evidence Modeling of protein sequence and biophysical properties (such as structural, functional, and spatial information, amino acid conservation, physicochemical variation, residue mobility, and thermodynamic stability) indicates that this missense variant is not expected to disrupt LIPA protein function with a negative predictive value of 95%. In summary, the available evidence is currently insufficient to determine the role of this variant in disease. Therefore, it has been classified as a Variant of Uncertain Significance.